The following is an entry in ClinVar:

NM_000219.6(KCNE1):c.232T>A (p.Phe78Ile)

Gene: KCNE1 (potassium voltage-gated channel subfamily E regulatory subunit 1; minus strand). Cytogenetic location: 21q22.12.
Variant type: single nucleotide variant.
Coding change: c.232T>A on transcript NM_000219.6 (MANE Select); coding-DNA position 232, T replaced by A.
Protein change: p.Phe78Ile; replaces phenylalanine 78 with isoleucine.
Molecular consequence: missense variant.
Genome position (GRCh38, 1-based): chr21:34,449,403, A>T on the plus strand (T>A on the coding strand, the complement: KCNE1 is on the minus strand). VCF-style: chr21-34449403-A-T. GRCh37 (hg19) VCF-style: chr21-35821701-A-T.
Other names: c.232T>A, p.Phe78Ile (NM_001127668.4, NM_001127669.4, NM_001127670.4 and 4 more transcripts); short protein forms F78I.
Identifiers: ClinVar variation 3374390 (VCV003374390.2).

Conditions:
Long QT syndrome 5 (LQT5). Identifiers: Orphanet 101016, Orphanet 768, MedGen C1867904, MONDO:0013372, OMIM 613695.

Submission:

Roden Lab, Vanderbilt University Medical Center
No classification provided (evidence only). Condition: Long QT syndrome 5. Review status: no classification provided. Collection method: in vitro. Allele origin: not applicable. Functional consequence: Effect on ion channel function.
ClinVar note: "not provided" was previously submitted as the classification for the variant. However, the classification appeared to be based only on an observation of functional data so it was converted to no classification on 2025-07-30.